The following is an entry in ClinVar:

ClinVar aggregate classification (germline): Pathogenic (1 of 4 stars; one submission).

Conditions:
PURA-related severe neonatal hypotonia-seizures-encephalopathy syndrome (NEDRIHF). Also called: NEURODEVELOPMENTAL DISORDER WITH NEONATAL RESPIRATORY INSUFFICIENCY, HYPOTONIA, AND FEEDING DIFFICULTIES; PURA-Related Neurodevelopmental Disorders. Identifiers: Orphanet 438213, Orphanet 438216, MedGen C4015357, MONDO:1060108, OMIM 616158, MONDO:0018580.

Submission:

Labcorp Genetics (formerly Invitae), Labcorp
Classification: Pathogenic for PURA-related severe neonatal hypotonia-seizures-encephalopathy syndrome. Last evaluated: 2024-01-19. Review status: criteria provided, single submitter. Criteria: Invitae Variant Classification Sherloc (09022015). Collection method: clinical testing. Allele origin: germline.
Comment: This sequence change creates a premature translational stop signal (p.Met104Asnfs*97) in the PURA gene. While this is not anticipated to result in nonsense mediated decay, it is expected to disrupt the last 219 amino acid(s) of the PURA protein. This variant is not present in population databases (gnomAD no frequency). This variant has not been reported in the literature in individuals affected with PURA-related conditions. ClinVar contains an entry for this variant (Variation ID: 1360182). This variant disrupts a region of the PURA protein in which other variant(s) (p.Tyr240*) have been determined to be pathogenic (Invitae). This suggests that this is a clinically significant region of the protein, and that variants that disrupt it are likely to be disease-causing. For these reasons, this variant has been classified as Pathogenic.

NM_005859.5(PURA):c.310dup (p.Met104fs)

Gene: PURA (purine rich element binding protein A; plus strand). Cytogenetic location: 5q31.3.
Variant type: Duplication.
Coding change: c.310dup on transcript NM_005859.5 (MANE Select); coding-DNA position 310, one base duplicated (A; older notation c.310dupA).
Protein change: p.Met104fs; shifts the reading frame from methionine 104.
Molecular consequence: frameshift variant.
Genome position (GRCh38, 1-based): chr5:140,114,491, A duplicated. VCF-style (leftmost placement, unchanged base first): chr5-140114490-C-CA. GRCh37 (hg19) VCF-style: chr5-139494075-C-CA.
Other names: short protein forms M104fs.
Identifiers: ClinVar variation 1360182 (VCV001360182.6), dbSNP rs2126748922, ClinGen allele CA2573139225.